The following is an entry in ClinVar:

ClinVar aggregate classification (germline): Uncertain significance (1 of 4 stars; one submission).

Submission:

Labcorp Genetics (formerly Invitae), Labcorp
Classification: Uncertain significance. Last evaluated: 2022-06-27. Review status: criteria provided, single submitter. Criteria: Invitae Variant Classification Sherloc (09022015). Collection method: clinical testing. Allele origin: germline.
Comment: In summary, the available evidence is currently insufficient to determine the role of this variant in disease. Therefore, it has been classified as a Variant of Uncertain Significance. Advanced modeling of protein sequence and biophysical properties (such as structural, functional, and spatial information, amino acid conservation, physicochemical variation, residue mobility, and thermodynamic stability) performed at Invitae indicates that this missense variant is expected to disrupt IFT27 protein function. This variant has not been reported in the literature in individuals affected with IFT27-related conditions. This variant is not present in population databases (gnomAD no frequency). This sequence change replaces phenylalanine, which is neutral and non-polar, with isoleucine, which is neutral and non-polar, at codon 60 of the IFT27 protein (p.Phe60Ile).

NM_001177701.3(IFT27):c.181T>A (p.Phe61Ile)

Genes: CACNG2-DT (CACNG2 divergent transcript; plus strand), IFT27 (intraflagellar transport 27; minus strand), LOC126863139 (CDK7 strongly-dependent group 2 enhancer GRCh37_chr22:37161913-37163112; plus strand). Cytogenetic location: 22q12.3.
Variant type: single nucleotide variant.
Coding change: c.181T>A on transcript NM_001177701.3 (MANE Select); coding-DNA position 181, T replaced by A.
Protein change: p.Phe61Ile; replaces phenylalanine 61 with isoleucine.
Molecular consequence: missense variant.
Genome position (GRCh38, 1-based): chr22:36,766,191, A>T on the plus strand (T>A on the coding strand, the complement: IFT27 is on the minus strand). VCF-style: chr22-36766191-A-T. GRCh37 (hg19) VCF-style: chr22-37162235-A-T.
Other names: c.181T>A, p.Phe61Ile (NM_001363003.2); c.178T>A, p.Phe60Ile (NM_006860.5); short protein forms F60I, F61I.
Identifiers: ClinVar variation 1481658 (VCV001481658.6), dbSNP rs751960738, ClinGen allele CA411384564.
Genomic context (GRCh38, chr22:36,766,191, plus strand): 5'-TACTTGCCAATTTATCCAGCATTTCCGAAAACAGCTCCTTGCCAGCAGAGTCAAAAATGA[A>T]GAGTTCCTACAATCAGAAAAGCAAGAAAAGTCTCCACGTGGAAAAACCACAAGCTACGAG-3'
Protein context (NP_001171172.1, residues 51-71): VPDTGDSVEL[Phe61Ile]IFDSAGKELF